The following is an entry in ClinVar:

ClinVar aggregate classification (germline): Uncertain significance. Review status: criteria provided, multiple submitters, no conflicts (2 of 4 stars). 5 submissions from 5 submitters: Uncertain significance (5). Last evaluated 2026-03-01.

Conditions:
Breast and/or ovarian cancer. Identifiers: MedGen CN221562.
Hereditary cancer-predisposing syndrome. Also called: Tumor predisposition; Hereditary neoplastic syndrome; Neoplastic Syndromes, Hereditary; Hereditary Cancer Syndrome. Identifiers: Orphanet 140162, MedGen C0027672, MeSH D009386, MONDO:0015356.
Ataxia-telangiectasia syndrome (AT). Also called: Ataxia-telangiectasia, complementation group D; AT, COMPLEMENTATION GROUP C; ATAXIA-TELANGIECTASIA, COMPLEMENTATION GROUP A; ATAXIA-TELANGIECTASIA, FRESNO VARIANT; Ataxia-telangiectasia; LOUIS-BAR SYNDROME. Identifiers: Orphanet 100, MedGen C0004135, MONDO:0008840, OMIM 208900.

Submissions (5):

CeGaT Center for Human Genetics Tuebingen
Classification: Uncertain significance. Last evaluated: 2026-03-01. Review status: criteria provided, single submitter. Criteria: CeGaT Center For Human Genetics Tuebingen Variant Classification Criteria Version 2. Collection method: clinical testing. Allele origin: germline. Affected: yes. Observed: 4 variant alleles.
Comment: ATM: PM2

Labcorp Genetics (formerly Invitae), Labcorp
Classification: Uncertain significance for Ataxia-telangiectasia syndrome. Last evaluated: 2025-07-30. Review status: criteria provided, single submitter. Criteria: Invitae Variant Classification Sherloc (09022015). Collection method: clinical testing. Allele origin: germline.
Comment: This sequence change replaces leucine, which is neutral and non-polar, with serine, which is neutral and polar, at codon 2659 of the ATM protein (p.Leu2659Ser). This variant is not present in population databases (gnomAD no frequency). This variant has not been reported in the literature in individuals affected with ATM-related conditions. ClinVar contains an entry for this variant (Variation ID: 627835). Invitae Evidence Modeling of protein sequence and biophysical properties (such as structural, functional, and spatial information, amino acid conservation, physicochemical variation, residue mobility, and thermodynamic stability) indicates that this missense variant is expected to disrupt ATM protein function with a positive predictive value of 95%. In summary, the available evidence is currently insufficient to determine the role of this variant in disease. Therefore, it has been classified as a Variant of Uncertain Significance.

Color Diagnostics, LLC DBA Color Health
Classification: Uncertain significance for Hereditary cancer-predisposing syndrome. Last evaluated: 2023-11-06. Review status: criteria provided, single submitter. Criteria: ACMG Guidelines, 2015. Collection method: clinical testing. Allele origin: germline.
Comment: This missense variant replaces leucine with serine at codon 2659 of the ATM protein. Computational prediction tool suggests that this variant may have deleterious impact on protein structure and function (internally defined REVEL score threshold >= 0.7, PMID: 27666373). To our knowledge, functional studies have not been performed for this variant. This variant has not been reported in individuals affected with hereditary cancer in the literature. This variant has not been identified in the general population by the Genome Aggregation Database (gnomAD). The available evidence is insufficient to determine the role of this variant in disease conclusively. Therefore, this variant is classified as a Variant of Uncertain Significance.

Ambry Genetics
Classification: Uncertain significance for Hereditary cancer-predisposing syndrome. Last evaluated: 2021-02-18. Review status: criteria provided, single submitter. Criteria: Ambry Variant Classification Scheme 2023. Collection method: clinical testing. Allele origin: germline.
Comment: The p.L2659S variant (also known as c.7976T>C), located in coding exon 53 of the ATM gene, results from a T to C substitution at nucleotide position 7976. The leucine at codon 2659 is replaced by serine, an amino acid with dissimilar properties. This amino acid position is highly conserved in available vertebrate species. In addition, this alteration is predicted to be deleterious by in silico analysis. Since supporting evidence is limited at this time, the clinical significance of this alteration remains unclear.

CHEO Genetics Diagnostic Laboratory, Children's Hospital of Eastern Ontario
Classification: Uncertain significance for Breast and/or ovarian cancer. Last evaluated: 2020-03-25. Review status: criteria provided, single submitter. Criteria: ACMG Guidelines, 2015. Collection method: clinical testing. Allele origin: germline.

NM_000051.4(ATM):c.7976T>C (p.Leu2659Ser)

Genes: ATM (ATM serine/threonine kinase; plus strand), C11orf65 (chromosome 11 open reading frame 65; minus strand). Cytogenetic location: 11q22.3.
Variant type: single nucleotide variant.
Coding change: c.7976T>C on transcript NM_000051.4 (MANE Select); coding-DNA position 7976, T replaced by C.
Protein change: p.Leu2659Ser; replaces leucine 2659 with serine.
Molecular consequence: missense variant. On other transcripts: intron variant (2).
Genome position (GRCh38, 1-based): chr11:108,333,934, T>C. VCF-style: chr11-108333934-T-C. GRCh37 (hg19) VCF-style: chr11-108204661-T-C.
Other names: c.7976T>C, p.Leu2659Ser (NM_001351834.2); c.641-24863A>G (NM_001330368.2); c.*38+1286A>G (NM_001351110.2); short protein forms L2659S.
Identifiers: ClinVar variation 627835 (VCV000627835.29), dbSNP rs1565538536, ClinGen allele CA382561747.